The following is an entry in ClinVar:

NM_003482.4(KMT2D):c.11949T>G (p.Thr3983=)

Gene: KMT2D (lysine methyltransferase 2D; minus strand). Cytogenetic location: 12q13.12.
Variant type: single nucleotide variant.
Coding change: c.11949T>G on transcript NM_003482.4 (MANE Select); coding-DNA position 11949, T replaced by G.
Protein change: p.Thr3983=; no amino-acid change (threonine 3983 retained).
Molecular consequence: synonymous variant.
Genome position (GRCh38, 1-based): chr12:49,032,756, A>C on the plus strand (T>G on the coding strand, the complement: KMT2D is on the minus strand). VCF-style: chr12-49032756-A-C. GRCh37 (hg19) VCF-style: chr12-49426539-A-C.
Identifiers: ClinVar variation 1013353 (VCV001013353.47), dbSNP rs199578328, ClinGen allele CA6546270.

ClinVar aggregate classification (germline): Likely benign. Review status: criteria provided, multiple submitters, no conflicts (2 of 4 stars). 6 submissions from 6 submitters: Likely benign (5). 1 of the submissions does not count toward it. Last evaluated 2026-02-03.

Conditions:
Kabuki syndrome. Also called: Kabuki make-up syndrome; NIIKAWA-KUROKI SYNDROME. Identifiers: Orphanet 2322, MedGen C0796004, MONDO:0016512.
KMT2D-related disorder. Also called: KMT2D-Related Disorders.

Allele frequency attached by ClinVar (database versions not stated): gnomAD 0.00001 and 0.00003; gnomAD exomes 0.00005 and 0.00016; TOPMed 0.00008; ESP Exome Variant Server 0.00015; 1000 Genomes Project 30x 0.00031; ExAC 0.00033; 1000 Genomes Project 0.00040.
gnomAD v4.1: 88 of 1,579,532 alleles (0.0056%); highest among the groups gnomAD compares: South Asian, 0.037%; no homozygotes.

Submissions (6):

Labcorp Genetics (formerly Invitae), Labcorp
Classification: Likely benign for Kabuki syndrome. Last evaluated: 2026-02-03. Review status: criteria provided, single submitter. Criteria: Invitae Variant Classification Sherloc (09022015). Collection method: clinical testing. Allele origin: germline.

ARUP Laboratories, Molecular Genetics and Genomics, ARUP Laboratories
Classification: Likely benign. Last evaluated: 2023-09-11. Review status: criteria provided, single submitter. Criteria: ARUP Molecular Germline Variant Investigation Process 2024. Collection method: clinical testing. Allele origin: germline.

Blueprint Genetics
Classification: Likely benign. Last evaluated: 2022-06-14. Review status: criteria provided, single submitter. Criteria: ACMG Guidelines, 2015. Collection method: clinical testing. Allele origin: germline.

GeneDx
Classification: Likely benign. Last evaluated: 2021-02-23. Review status: criteria provided, single submitter. Criteria: GeneDx Variant Classification Process June 2021. Collection method: clinical testing. Allele origin: germline. Affected: yes.

CeGaT Center for Human Genetics Tuebingen
Classification: Likely benign. Last evaluated: 2020-11-01. Review status: criteria provided, single submitter. Criteria: CeGaT Center For Human Genetics Tuebingen Variant Classification Criteria Version 2. Collection method: clinical testing. Allele origin: germline. Affected: yes. Observed: 1 variant allele.

PreventionGenetics, part of Exact Sciences
Classification: Likely benign for KMT2D-related condition. Last evaluated: 2022-02-13. Review status: no assertion criteria provided. Collection method: clinical testing. Allele origin: germline. Not counted in ClinVar's aggregate classification.
Comment: This variant is classified as likely benign based on ACMG/AMP sequence variant interpretation guidelines (Richards et al. 2015 PMID: 25741868, with internal and published modifications).